The following is an entry in ClinVar:

ClinVar aggregate classification (germline): Uncertain significance (1 of 4 stars; one submission).

Conditions:
Meckel-Gruber syndrome. Also called: Dysencephalia splachnocystica; DYSENCEPHALIA SPLANCHNOCYSTICA; GRUBER SYNDROME. Identifiers: Orphanet 564, MedGen C0265215, MONDO:0018921.
Joubert syndrome. Also called: Familial aplasia of the vermis; CEREBELLOPARENCHYMAL DISORDER IV; JOUBERT-BOLTSHAUSER SYNDROME. Identifiers: Orphanet 475, MedGen C5979921, MONDO:0018772.

Submission:

Labcorp Genetics (formerly Invitae), Labcorp
Classification: Uncertain significance for Joubert syndrome; Meckel-Gruber syndrome. Last evaluated: 2024-10-26. Review status: criteria provided, single submitter. Criteria: Invitae Variant Classification Sherloc (09022015). Collection method: clinical testing. Allele origin: germline.
Comment: This sequence change replaces threonine, which is neutral and polar, with alanine, which is neutral and non-polar, at codon 4 of the MKS1 protein (p.Thr4Ala). This variant is not present in population databases (gnomAD no frequency). This variant has not been reported in the literature in individuals affected with MKS1-related conditions. ClinVar contains an entry for this variant (Variation ID: 937470). Invitae Evidence Modeling of protein sequence and biophysical properties (such as structural, functional, and spatial information, amino acid conservation, physicochemical variation, residue mobility, and thermodynamic stability) indicates that this missense variant is not expected to disrupt MKS1 protein function with a negative predictive value of 95%. In summary, the available evidence is currently insufficient to determine the role of this variant in disease. Therefore, it has been classified as a Variant of Uncertain Significance.

NM_017777.4(MKS1):c.10A>G (p.Thr4Ala)

Genes: MKS1 (MKS transition zone complex subunit 1; minus strand), LOC130061271 (ATAC-STARR-seq lymphoblastoid active region 12461; plus strand). Cytogenetic location: 17q22.
Variant type: single nucleotide variant.
Coding change: c.10A>G on transcript NM_017777.4 (MANE Select); coding-DNA position 10, A replaced by G.
Protein change: p.Thr4Ala; replaces threonine 4 with alanine.
Molecular consequence: missense variant. On other transcripts: 5 prime UTR variant (1).
Genome position (GRCh38, 1-based): chr17:58,219,221, T>C on the plus strand (A>G on the coding strand, the complement: MKS1 is on the minus strand). VCF-style: chr17-58219221-T-C. GRCh37 (hg19) VCF-style: chr17-56296582-T-C.
Other names: c.-502A>G (NM_001321268.2); c.10A>G, p.Thr4Ala (NM_001321269.2, NM_001330397.2); short protein forms T4A.
Identifiers: ClinVar variation 937470 (VCV000937470.10), dbSNP rs928775924, ClinGen allele CA400328243.